The following is an entry in ClinVar:

NM_001105206.3(LAMA4):c.4630A>T (p.Ser1544Cys)

Gene: LAMA4 (laminin subunit alpha 4; minus strand). Cytogenetic location: 6q21.
Variant type: single nucleotide variant.
Coding change: c.4630A>T on transcript NM_001105206.3 (MANE Select); coding-DNA position 4630, A replaced by T.
Protein change: p.Ser1544Cys; replaces serine 1544 with cysteine.
Molecular consequence: missense variant.
Genome position (GRCh38, 1-based): chr6:112,120,318, T>A on the plus strand (A>T on the coding strand, the complement: LAMA4 is on the minus strand). VCF-style: chr6-112120318-T-A. GRCh37 (hg19) VCF-style: chr6-112441521-T-A.
Other names: c.4609A>T, p.Ser1537Cys (NM_001105207.3, NM_002290.5); short protein forms S1537C, S1544C.
Identifiers: ClinVar variation 2562642 (VCV002562642.2), dbSNP rs2546976805, ClinGen allele CA365369212.
Genomic context (GRCh38, chr6:112,120,318, plus strand): 5'-ATGCTGTTCTCTGCCTTCAACTTACATCATGCCACAGGCCATCATTGTATTTCTCCTGGC[T>A]TCTAATCTTCAGTTTTTTGTGACCAACATTAAACATGTAAACCAAGCGGCCATGGGCCAA-3'
Protein context (NP_001098676.2, residues 1534-1554): NVGHKKLKIR[Ser1544Cys]QEKYNDGLWH

ClinVar aggregate classification (germline): Uncertain significance (1 of 4 stars; one submission).

Conditions:
Cardiovascular phenotype. Identifiers: MedGen CN230736.

Submission:

Ambry Genetics
Classification: Uncertain significance for Cardiovascular phenotype. Last evaluated: 2023-06-14. Review status: criteria provided, single submitter. Criteria: Ambry Variant Classification Scheme 2023. Collection method: clinical testing. Allele origin: germline.
Comment: The p.S1537C variant (also known as c.4609A>T), located in coding exon 32 of the LAMA4 gene, results from an A to T substitution at nucleotide position 4609. The serine at codon 1537 is replaced by cysteine, an amino acid with dissimilar properties. This amino acid position is conserved. In addition, the in silico prediction for this alteration is inconclusive. Since supporting evidence is limited at this time, the clinical significance of this alteration remains unclear.